The following is an entry in ClinVar:

NM_016026.4(RDH11):c.212C>T (p.Ala71Val)

Genes: GPHN (gephyrin; plus strand), RDH11 (retinol dehydrogenase 11; minus strand). Cytogenetic location: 14q24.1.
Variant type: single nucleotide variant.
Coding change: c.212C>T on transcript NM_016026.4 (MANE Select); coding-DNA position 212, C replaced by T.
Protein change: p.Ala71Val; replaces alanine 71 with valine.
Molecular consequence: missense variant.
Genome position (GRCh38, 1-based): chr14:67,692,575, G>A on the plus strand (C>T on the coding strand, the complement: RDH11 is on the minus strand). VCF-style: chr14-67692575-G-A. GRCh37 (hg19) VCF-style: chr14-68159292-G-A.
Other names: c.212C>T, p.Ala71Val (NM_001252650.2); short protein forms A71V.
Identifiers: ClinVar variation 1424920 (VCV001424920.4), dbSNP rs993055016, ClinGen allele CA262796185.

ClinVar aggregate classification (germline): Uncertain significance (1 of 4 stars; one submission).

Allele frequency attached by ClinVar (database versions not stated): gnomAD exomes below 0.00001 and 0.00001; TOPMed below 0.00001.
gnomAD v4.1: 3 of 1,595,446 alleles (0.00019%); highest among the groups gnomAD compares: Non-Finnish European, 0.00026%; no homozygotes.

Submission:

Labcorp Genetics (formerly Invitae), Labcorp
Classification: Uncertain significance. Last evaluated: 2026-01-19. Review status: criteria provided, single submitter. Criteria: Invitae Variant Classification Sherloc (09022015). Collection method: clinical testing. Allele origin: germline.
Comment: This sequence change replaces alanine, which is neutral and non-polar, with valine, which is neutral and non-polar, at codon 71 of the RDH11 protein (p.Ala71Val). This variant is not present in population databases (gnomAD no frequency). This variant has not been reported in the literature in individuals affected with RDH11-related conditions. ClinVar contains an entry for this variant (Variation ID: 1424920). An algorithm developed to predict the effect of missense changes on protein structure and function (PolyPhen-2) suggests that this variant is likely to be disruptive. In summary, the available evidence is currently insufficient to determine the role of this variant in disease. Therefore, it has been classified as a Variant of Uncertain Significance.